The following is an entry in ClinVar:

NM_024642.5(GALNT12):c.514A>T (p.Ile172Phe)

Gene: GALNT12 (polypeptide N-acetylgalactosaminyltransferase 12; plus strand). Cytogenetic location: 9q22.33.
Variant type: single nucleotide variant.
Coding change: c.514A>T on transcript NM_024642.5 (MANE Select); coding-DNA position 514, A replaced by T.
Protein change: p.Ile172Phe; replaces isoleucine 172 with phenylalanine.
Molecular consequence: missense variant.
Genome position (GRCh38, 1-based): chr9:98,823,398, A>T. VCF-style: chr9-98823398-A-T. GRCh37 (hg19) VCF-style: chr9-101585680-A-T.
Other names: short protein forms I172F.
Identifiers: ClinVar variation 3227952 (VCV003227952.2), dbSNP rs776411813, ClinGen allele CA5153957.
Genomic context (GRCh38, chr9:98,823,398, plus strand): 5'-CTCCTTCGGACAGTTTACAGTGTCCTTGAGACATCCCCGGATATCCTGCTAGAAGAAGTG[A>T]TCCTTGTAGATGACTACAGTGATAGAGGTGAGTCCCGGCCAGGGCTCTGGGAAGAGCCTG-3'
Protein context (NP_078918.3, residues 162-182): TSPDILLEEV[Ile172Phe]LVDDYSDREH

ClinVar aggregate classification (germline): Uncertain significance (1 of 4 stars; one submission).

Allele frequency attached by ClinVar (database versions not stated): gnomAD exomes below 0.00001; ExAC 0.00001.
gnomAD v4.1: 1 of 1,614,196 alleles (0.000062%); highest among the groups gnomAD compares: Non-Finnish European, 0.000085%; no homozygotes.

Submission:

Ambry Genetics
Classification: Uncertain significance. Last evaluated: 2025-09-28. Review status: criteria provided, single submitter. Criteria: Ambry Variant Classification Scheme 2023. Collection method: clinical testing. Allele origin: germline.
Comment: The p.I172F variant (also known as c.514A>T), located in coding exon 2 of the GALNT12 gene, results from an A to T substitution at nucleotide position 514. The isoleucine at codon 172 is replaced by phenylalanine, an amino acid with highly similar properties. This amino acid position is conserved. In addition, the in silico prediction for this alteration is inconclusive. Since supporting evidence is limited at this time, the clinical significance of this alteration remains unclear.